The following is an entry in ClinVar:

NM_015272.5(RPGRIP1L):c.1394T>G (p.Leu465Arg)

Gene: RPGRIP1L (RPGRIP1 like; minus strand). Cytogenetic location: 16q12.2.
Variant type: single nucleotide variant.
Coding change: c.1394T>G on transcript NM_015272.5 (MANE Select); coding-DNA position 1394, T replaced by G.
Protein change: p.Leu465Arg; replaces leucine 465 with arginine.
Molecular consequence: missense variant.
Genome position (GRCh38, 1-based): chr16:53,658,421, A>C on the plus strand (T>G on the coding strand, the complement: RPGRIP1L is on the minus strand). VCF-style: chr16-53658421-A-C. GRCh37 (hg19) VCF-style: chr16-53692333-A-C.
Other names: c.1394T>G, p.Leu465Arg (NM_001127897.4, NM_001308334.3, NM_001330538.2); short protein forms L465R.
Identifiers: ClinVar variation 1933431 (VCV001933431.3), dbSNP rs2544299209, ClinGen allele CA395919808.

ClinVar aggregate classification (germline): Uncertain significance (1 of 4 stars; one submission).

Conditions:
Joubert syndrome. Also called: CEREBELLOPARENCHYMAL DISORDER IV; JOUBERT-BOLTSHAUSER SYNDROME; Familial aplasia of the vermis. Identifiers: Orphanet 475, MedGen C5979921, MONDO:0018772.
Meckel-Gruber syndrome. Also called: DYSENCEPHALIA SPLANCHNOCYSTICA; GRUBER SYNDROME; Dysencephalia splachnocystica. Identifiers: Orphanet 564, MedGen C0265215, MONDO:0018921.

Submission:

Labcorp Genetics (formerly Invitae), Labcorp
Classification: Uncertain significance for Joubert syndrome; Meckel-Gruber syndrome. Last evaluated: 2022-09-01. Review status: criteria provided, single submitter. Criteria: Invitae Variant Classification Sherloc (09022015). Collection method: clinical testing. Allele origin: germline.
Comment: In summary, the available evidence is currently insufficient to determine the role of this variant in disease. Therefore, it has been classified as a Variant of Uncertain Significance. Algorithms developed to predict the effect of missense changes on protein structure and function (SIFT, PolyPhen-2, Align-GVGD) all suggest that this variant is likely to be disruptive. This variant has not been reported in the literature in individuals affected with RPGRIP1L-related conditions. This variant is not present in population databases (gnomAD no frequency). This sequence change replaces leucine, which is neutral and non-polar, with arginine, which is basic and polar, at codon 465 of the RPGRIP1L protein (p.Leu465Arg).